The following is an entry in ClinVar:

NM_001329943.3(KIAA0586):c.2758C>G (p.Pro920Ala)

Gene: KIAA0586 (KIAA0586; plus strand). Cytogenetic location: 14q23.1.
Variant type: single nucleotide variant.
Coding change: c.2758C>G on transcript NM_001329943.3 (MANE Select); coding-DNA position 2758, C replaced by G.
Protein change: p.Pro920Ala; replaces proline 920 with alanine.
Molecular consequence: missense variant.
Genome position (GRCh38, 1-based): chr14:58,474,730, C>G. VCF-style: chr14-58474730-C-G. GRCh37 (hg19) VCF-style: chr14-58941448-C-G.
Other names: c.2917C>G, p.Pro973Ala (NM_001244189.2); c.2713C>G, p.Pro905Ala (NM_001244190.2); c.2503C>G, p.Pro835Ala (NM_001244191.2, NM_001329945.2, NM_001364700.1 and 1 more transcripts); c.2626C>G, p.Pro876Ala (NM_001244192.2); c.2338C>G, p.Pro780Ala (NM_001244193.2); c.2758C>G, p.Pro920Ala (NM_001329944.2, NM_001329946.2, NM_001329947.2); c.2530C>G, p.Pro844Ala (NM_014749.5); short protein forms P844A, P876A, P973A, P835A, P905A, P920A, P780A.
Identifiers: ClinVar variation 2178674 (VCV002178674.4), dbSNP rs1470511306, ClinGen allele CA389877971.

ClinVar aggregate classification (germline): Uncertain significance (1 of 4 stars; one submission).

Conditions:
Short-rib thoracic dysplasia 14 with polydactyly (SRTD14). Identifiers: Orphanet 397715, MedGen C4225286, MONDO:0014688, OMIM 616546.
Joubert syndrome 23 (JBTS23). Identifiers: Orphanet 475, MedGen C4084822, MONDO:0014664, OMIM 616490.

Allele frequency attached by ClinVar (database versions not stated): TOPMed below 0.00001; gnomAD exomes 0.00001.
gnomAD v4.1: 22 of 1,613,168 alleles (0.0014%); highest among the groups gnomAD compares: Non-Finnish European, 0.0017%; no homozygotes.

Submission:

Labcorp Genetics (formerly Invitae), Labcorp
Classification: Uncertain significance for Joubert syndrome 23; Short-rib thoracic dysplasia 14 with polydactyly. Last evaluated: 2022-04-22. Review status: criteria provided, single submitter. Criteria: Invitae Variant Classification Sherloc (09022015). Collection method: clinical testing. Allele origin: germline.
Comment: In summary, the available evidence is currently insufficient to determine the role of this variant in disease. Therefore, it has been classified as a Variant of Uncertain Significance. This sequence change replaces proline, which is neutral and non-polar, with alanine, which is neutral and non-polar, at codon 973 of the KIAA0586 protein (p.Pro973Ala). This variant is present in population databases (no rsID available, gnomAD 0.0009%). This variant has not been reported in the literature in individuals affected with KIAA0586-related conditions. Algorithms developed to predict the effect of missense changes on protein structure and function are either unavailable or do not agree on the potential impact of this missense change (SIFT: "Tolerated"; PolyPhen-2: "Probably Damaging"; Align-GVGD: "Class C0").